The following is an entry in ClinVar:

ClinVar aggregate classification (germline): Conflicting classifications of pathogenicity. Review status: criteria provided, conflicting classifications (1 of 4 stars). 3 submissions from 3 submitters: Uncertain significance (1); Likely benign (2). Last evaluated 2025-05-06.

Conditions:
Neuronopathy, distal hereditary motor, autosomal recessive 4. Also called: Autosomal recessive lower motor neuron disease with childhood onset; NEUROPATHY, DISTAL HEREDITARY MOTOR, AUTOSOMAL RECESSIVE 4. Identifiers: Orphanet 206580, MedGen C1970211, MONDO:0012608, OMIM 611067.
PLEKHG5-related disorder. Also called: PLEKHG5-related condition.
Charcot-Marie-Tooth disease recessive intermediate C. Also called: CHARCOT-MARIE-TOOTH NEUROPATHY, RECESSIVE INTERMEDIATE C. Identifiers: Orphanet 369867, MedGen C3809309, MONDO:0014154, OMIM 615376.

Allele frequency attached by ClinVar (database versions not stated): ExAC 0.00003; gnomAD exomes 0.00001 and 0.00002; gnomAD 0.00002; TOPMed 0.00002.
gnomAD v4.1: 20 of 1,604,744 alleles (0.0012%); highest among the groups gnomAD compares: South Asian, 0.0033%; no homozygotes.

Submissions (3):

PreventionGenetics, part of Exact Sciences
Classification: Likely benign for PLEKHG5-related condition. Last evaluated: 2025-05-06. Review status: criteria provided, single submitter. Criteria: ACMG Guidelines, 2015. Collection method: clinical testing. Allele origin: germline.
Comment: This variant is classified as likely benign based on ACMG/AMP sequence variant interpretation guidelines (Richards et al. 2015 PMID: 25741868, with internal and published modifications).

Labcorp Genetics (formerly Invitae), Labcorp
Classification: Likely benign for Neuronopathy, distal hereditary motor, autosomal recessive 4; Charcot-Marie-Tooth disease recessive intermediate C. Last evaluated: 2025-01-06. Review status: criteria provided, single submitter. Criteria: Invitae Variant Classification Sherloc (09022015). Collection method: clinical testing. Allele origin: germline.

Illumina Laboratory Services, Illumina
Classification: Uncertain significance for Neuronopathy, distal hereditary motor, autosomal recessive 4. Last evaluated: 2018-01-12. Review status: criteria provided, single submitter. Criteria: ICSL Variant Classification Criteria 13 December 2019. Collection method: clinical testing. Allele origin: germline.

NM_020631.6(PLEKHG5):c.2577C>T (p.Arg859=)

Gene: PLEKHG5 (pleckstrin homology and RhoGEF domain containing G5; minus strand). Cytogenetic location: 1p36.31.
Variant type: single nucleotide variant.
Coding change: c.2577C>T on transcript NM_020631.6 (MANE Select); coding-DNA position 2577, C replaced by T.
Protein change: p.Arg859=; no amino-acid change (arginine 859 retained).
Molecular consequence: synonymous variant.
Genome position (GRCh38, 1-based): chr1:6,468,259, G>A on the plus strand (C>T on the coding strand, the complement: PLEKHG5 is on the minus strand). VCF-style: chr1-6468259-G-A. GRCh37 (hg19) VCF-style: chr1-6528319-G-A.
Other names: c.2688C>T, p.Arg896= (NM_001042663.3, NM_001265592.2); c.2577C>T, p.Arg859= (NM_001042664.2, NM_001042665.2, NM_001265594.3 and 1 more transcripts); c.2784C>T, p.Arg928= (NM_001265593.2).
Identifiers: ClinVar variation 876681 (VCV000876681.13), dbSNP rs758214289, ClinGen allele CA561129.